The following is an entry in ClinVar:

ClinVar aggregate classification (germline): Uncertain significance. Review status: criteria provided, multiple submitters, no conflicts (2 of 4 stars). 2 submissions from 2 submitters: Uncertain significance (2). Last evaluated 2025-07-09.

Conditions:
Inborn genetic diseases. Identifiers: MedGen C0950123, MeSH D030342.

Allele frequency attached by ClinVar (database versions not stated): TOPMed 0.00003; ExAC 0.00004; gnomAD 0.00002.
gnomAD v4.1: 44 of 1,613,418 alleles (0.0027%); highest among the groups gnomAD compares: African/African-American, 0.0053%; no homozygotes.

Submissions (2):

Labcorp Genetics (formerly Invitae), Labcorp
Classification: Uncertain significance. Last evaluated: 2025-07-09. Review status: criteria provided, single submitter. Criteria: Invitae Variant Classification Sherloc (09022015). Collection method: clinical testing. Allele origin: germline.
Comment: This sequence change replaces arginine, which is basic and polar, with histidine, which is basic and polar, at codon 474 of the DCHS1 protein (p.Arg474His). The frequency data for this variant in the population databases is considered unreliable, as metrics indicate poor data quality at this position in the gnomAD database. This variant has not been reported in the literature in individuals affected with DCHS1-related conditions. ClinVar contains an entry for this variant (Variation ID: 2387927). Invitae Evidence Modeling of protein sequence and biophysical properties (such as structural, functional, and spatial information, amino acid conservation, physicochemical variation, residue mobility, and thermodynamic stability) indicates that this missense variant is expected to disrupt DCHS1 protein function with a positive predictive value of 80%. In summary, the available evidence is currently insufficient to determine the role of this variant in disease. Therefore, it has been classified as a Variant of Uncertain Significance.

Ambry Genetics
Classification: Uncertain significance for Inborn genetic diseases. Last evaluated: 2022-11-07. Review status: criteria provided, single submitter. Criteria: Ambry Variant Classification Scheme 2023. Collection method: clinical testing. Allele origin: germline.

NM_003737.4(DCHS1):c.1421G>A (p.Arg474His)

Gene: DCHS1 (dachsous cadherin-related 1; minus strand). Cytogenetic location: 11p15.4.
Variant type: single nucleotide variant.
Coding change: c.1421G>A on transcript NM_003737.4 (MANE Select); coding-DNA position 1421, G replaced by A.
Protein change: p.Arg474His; replaces arginine 474 with histidine.
Molecular consequence: missense variant.
Genome position (GRCh38, 1-based): chr11:6,640,193, C>T on the plus strand (G>A on the coding strand, the complement: DCHS1 is on the minus strand). VCF-style: chr11-6640193-C-T. GRCh37 (hg19) VCF-style: chr11-6661424-C-T.
Other names: short protein forms R474H.
Identifiers: ClinVar variation 2387927 (VCV002387927.5), dbSNP rs775163740, ClinGen allele CA5860971.